The following is an entry in ClinVar:

NM_000026.4(ADSL):c.574G>T (p.Asp192Tyr)

Gene: ADSL (adenylosuccinate lyase; plus strand). Cytogenetic location: 22q13.1.
Variant type: single nucleotide variant.
Coding change: c.574G>T on transcript NM_000026.4 (MANE Select); coding-DNA position 574, G replaced by T.
Protein change: p.Asp192Tyr; replaces aspartic acid 192 with tyrosine.
Molecular consequence: missense variant. On other transcripts: non-coding transcript variant (1).
Genome position (GRCh38, 1-based): chr22:40,358,955, G>T. VCF-style: chr22-40358955-G-T. GRCh37 (hg19) VCF-style: chr22-40754959-G-T.
Other names: c.574G>T, p.Asp192Tyr (NM_001123378.3, NM_001363840.3, NM_001410812.1 and 1 more transcripts); c.382G>T, p.Asp128Tyr (NM_001317923.2); c.529G>T, p.Asp177Tyr (NM_001410814.1); short protein forms D128Y, D177Y, D192Y.
Identifiers: ClinVar variation 1713818 (VCV001713818.5), dbSNP rs2518112006, ClinGen allele CA411640995.

ClinVar aggregate classification (germline): Uncertain significance (1 of 4 stars; one submission).

Conditions:
Adenylosuccinate lyase deficiency (ADSLD). Also called: ADSL DEFICIENCY. Identifiers: Orphanet 46, MedGen C0268126, MONDO:0007068, OMIM 103050.

Submission:

Labcorp Genetics (formerly Invitae), Labcorp
Classification: Uncertain significance for Adenylosuccinate lyase deficiency. Last evaluated: 2022-08-02. Review status: criteria provided, single submitter. Criteria: Invitae Variant Classification Sherloc (09022015). Collection method: clinical testing. Allele origin: germline.
Comment: In summary, the available evidence is currently insufficient to determine the role of this variant in disease. Therefore, it has been classified as a Variant of Uncertain Significance. Advanced modeling of protein sequence and biophysical properties (such as structural, functional, and spatial information, amino acid conservation, physicochemical variation, residue mobility, and thermodynamic stability) performed at Invitae indicates that this missense variant is expected to disrupt ADSL protein function. This variant has not been reported in the literature in individuals affected with ADSL-related conditions. This variant is not present in population databases (gnomAD no frequency). This sequence change replaces aspartic acid, which is acidic and polar, with tyrosine, which is neutral and polar, at codon 192 of the ADSL protein (p.Asp192Tyr).